The following is an entry in ClinVar:

ClinVar aggregate classification (germline): Uncertain significance (1 of 4 stars; one submission).

Conditions:
Cardiovascular phenotype. Identifiers: MedGen CN230736.

Submission:

Ambry Genetics
Classification: Uncertain significance for Cardiovascular phenotype. Last evaluated: 2025-10-01. Review status: criteria provided, single submitter. Criteria: Ambry Variant Classification Scheme 2023. Collection method: clinical testing. Allele origin: germline.
Comment: The p.T46N variant (also known as c.137C>A), located in coding exon 1 of the BGN gene, results from a C to A substitution at nucleotide position 137. The threonine at codon 46 is replaced by asparagine, an amino acid with similar properties. This amino acid position is conserved. In addition, this alteration is predicted to be tolerated by in silico analysis. Based on the available evidence, the clinical significance of this variant remains unclear.

NM_001711.6(BGN):c.137C>A (p.Thr46Asn)

Gene: BGN (biglycan; plus strand). Cytogenetic location: Xq28.
Variant type: single nucleotide variant.
Coding change: c.137C>A on transcript NM_001711.6 (MANE Select); coding-DNA position 137, C replaced by A.
Protein change: p.Thr46Asn; replaces threonine 46 with asparagine.
Molecular consequence: missense variant.
Genome position (GRCh38, 1-based): chrX:153,504,768, C>A. VCF-style: chrX-153504768-C-A. GRCh37 (hg19) VCF-style: chrX-152770226-C-A.
Other names: short protein forms T46N.
Identifiers: ClinVar variation 4613749 (VCV004613749.1).